The following is an entry in ClinVar:

ClinVar aggregate classification (germline): Likely benign. Review status: criteria provided, multiple submitters, no conflicts (2 of 4 stars). 5 submissions from 5 submitters: Likely benign (5). Last evaluated 2026-01-17.

Conditions:
Neutropenia, severe congenital, 2, autosomal dominant. Identifiers: Orphanet 486, MedGen C2751288, MONDO:0013139, OMIM 613107.

Allele frequency attached by ClinVar (database versions not stated): gnomAD exomes 0.00046 and 0.00088; ExAC 0.00052; gnomAD 0.00056 and 0.00057; TOPMed 0.00063; ESP Exome Variant Server 0.00069.
gnomAD v4.1: 1,364 of 1,613,952 alleles (0.085%); highest among the groups gnomAD compares: Non-Finnish European, 0.11%; 2 homozygotes.

Submissions (5):

Labcorp Genetics (formerly Invitae), Labcorp
Classification: Likely benign for Neutropenia, severe congenital, 2, autosomal dominant. Last evaluated: 2026-01-17. Review status: criteria provided, single submitter. Criteria: Invitae Variant Classification Sherloc (09022015). Collection method: clinical testing. Allele origin: germline.

Blueprint Genetics
Classification: Likely benign. Last evaluated: 2024-11-11. Review status: criteria provided, single submitter. Criteria: ACMG Guidelines, 2015. Collection method: clinical testing. Allele origin: germline.

Ambry Genetics
Classification: Likely benign. Last evaluated: 2024-10-04. Review status: criteria provided, single submitter. Criteria: Ambry Variant Classification Scheme 2023. Collection method: clinical testing. Allele origin: germline.

CeGaT Center for Human Genetics Tuebingen
Classification: Likely benign. Last evaluated: 2023-03-01. Review status: criteria provided, single submitter. Criteria: CeGaT Center For Human Genetics Tuebingen Variant Classification Criteria Version 2. Collection method: clinical testing. Allele origin: germline. Affected: yes. Observed: 3 variant alleles.
Comment: GFI1: BP4

Genetic Services Laboratory, University of Chicago
Classification: Likely benign. Last evaluated: 2020-01-13. Review status: criteria provided, single submitter. Criteria: ACMG Guidelines, 2015. Collection method: clinical testing. Allele origin: germline. Affected: no.

NM_005263.5(GFI1):c.1032C>T (p.Tyr344=)

Gene: GFI1 (growth factor independent 1 transcriptional repressor; minus strand). Cytogenetic location: 1p22.1.
Variant type: single nucleotide variant.
Coding change: c.1032C>T on transcript NM_005263.5 (MANE Select); coding-DNA position 1032, C replaced by T.
Protein change: p.Tyr344=; no amino-acid change (tyrosine 344 retained).
Molecular consequence: synonymous variant.
Genome position (GRCh38, 1-based): chr1:92,478,646, G>A on the plus strand (C>T on the coding strand, the complement: GFI1 is on the minus strand). VCF-style: chr1-92478646-G-A. GRCh37 (hg19) VCF-style: chr1-92944203-G-A.
Other names: c.1032C>T, p.Tyr344= (NM_001127215.3, NM_001127216.3).
Identifiers: ClinVar variation 298178 (VCV000298178.48), dbSNP rs139144506, ClinGen allele CA951257.